The following is an entry in ClinVar:

ClinVar aggregate classification (germline): Uncertain significance (1 of 4 stars; one submission).

Submission:

Ambry Genetics
Classification: Uncertain significance. Last evaluated: 2026-01-14. Review status: criteria provided, single submitter. Criteria: Ambry Variant Classification Scheme 2023. Collection method: clinical testing. Allele origin: germline.
Comment: The c.968C>T (p.A323V) alteration is located in exon 8 (coding exon 8) of the IRAK1 gene. This alteration results from a C to T substitution at nucleotide position 968, causing the alanine (A) at amino acid position 323 to be replaced by a valine (V). Based on data from gnomAD, the T allele has an overall frequency of 0.001% (2/183343) total alleles studied. The highest observed frequency was 0.022% (1/4528) of Other alleles. Based on insufficient or conflicting evidence, the clinical significance of this alteration remains unclear.

NM_001569.4(IRAK1):c.968C>T (p.Ala323Val)

Gene: IRAK1 (interleukin 1 receptor associated kinase 1; minus strand). Cytogenetic location: Xq28.
Variant type: single nucleotide variant.
Coding change: c.968C>T on transcript NM_001569.4 (MANE Select); coding-DNA position 968, C replaced by T.
Protein change: p.Ala323Val; replaces alanine 323 with valine.
Molecular consequence: missense variant.
Genome position (GRCh38, 1-based): chrX:154,017,009, G>A on the plus strand (C>T on the coding strand, the complement: IRAK1 is on the minus strand). VCF-style: chrX-154017009-G-A. GRCh37 (hg19) VCF-style: chrX-153282460-G-A.
Other names: c.968C>T, p.Ala323Val (NM_001025242.2, NM_001025243.2); c.1046C>T, p.Ala349Val (NM_001410701.1); short protein forms A323V, A349V.
Identifiers: ClinVar variation 4839285 (VCV004839285.1).